The following is an entry in ClinVar:

ClinVar aggregate classification (germline): Uncertain significance (1 of 4 stars; one submission).

Allele frequency attached by ClinVar (database versions not stated): TOPMed below 0.00001; gnomAD exomes 0.00002.
gnomAD v4.1: 10 of 1,614,152 alleles (0.00062%); highest among the groups gnomAD compares: Non-Finnish European, 0.00085%; no homozygotes.

Submission:

Labcorp Genetics (formerly Invitae), Labcorp
Classification: Uncertain significance. Last evaluated: 2022-01-15. Review status: criteria provided, single submitter. Criteria: Invitae Variant Classification Sherloc (09022015). Collection method: clinical testing. Allele origin: germline.
Comment: This sequence change replaces glutamic acid, which is acidic and polar, with valine, which is neutral and non-polar, at codon 126 of the NEK2 protein (p.Glu126Val). This variant is present in population databases (no rsID available, gnomAD 0.003%). This variant has not been reported in the literature in individuals affected with NEK2-related conditions. ClinVar contains an entry for this variant (Variation ID: 1027342). Algorithms developed to predict the effect of missense changes on protein structure and function are either unavailable or do not agree on the potential impact of this missense change (SIFT: "Deleterious"; PolyPhen-2: "Benign"; Align-GVGD: "Class C0"). Algorithms developed to predict the effect of sequence changes on RNA splicing suggest that this variant may create or strengthen a splice site. In summary, the available evidence is currently insufficient to determine the role of this variant in disease. Therefore, it has been classified as a Variant of Uncertain Significance.

NM_002497.4(NEK2):c.377A>T (p.Glu126Val)

Gene: NEK2 (NIMA related kinase 2; minus strand). Cytogenetic location: 1q32.3.
Variant type: single nucleotide variant.
Coding change: c.377A>T on transcript NM_002497.4 (MANE Select); coding-DNA position 377, A replaced by T.
Protein change: p.Glu126Val; replaces glutamic acid 126 with valine.
Molecular consequence: missense variant.
Genome position (GRCh38, 1-based): chr1:211,673,661, T>A on the plus strand (A>T on the coding strand, the complement: NEK2 is on the minus strand). VCF-style: chr1-211673661-T-A. GRCh37 (hg19) VCF-style: chr1-211847003-T-A.
Other names: c.377A>T, p.Glu126Val (NM_001204182.2, NM_001204183.2); short protein forms E126V.
Identifiers: ClinVar variation 1027342 (VCV001027342.8), dbSNP rs1333718925, ClinGen allele CA344784195.
Genomic context (GRCh38, chr1:211,673,661, plus strand): 5'-TTGGCTGGTTTCAGATCCCGATGCAATACGGTATGACCACCATCACTTCGTCTGTGGCAT[T>A]CCTTCAGGGCCAGAGTCAACTGAGTCATCACTCGAAGAACAAACTCTTCATCTAAGTATT-3'
Protein context (NP_002488.1, residues 116-136): VMTQLTLALK[Glu126Val]CHRRSDGGHT